The following is an entry in ClinVar:

ClinVar aggregate classification (germline): Uncertain significance (1 of 4 stars; one submission).

Conditions:
Neuropathy, hereditary sensory and autonomic, type 2A (HSAN2A). Also called: ACROOSTEOLYSIS, GIACCAI TYPE; ACROOSTEOLYSIS, NEUROGENIC; MORVAN DISEASE; NEUROPATHY, CONGENITAL SENSORY; NEUROPATHY, HEREDITARY SENSORY RADICULAR, AUTOSOMAL RECESSIVE; NEUROPATHY, HEREDITARY SENSORY, TYPE IIA. Identifiers: Orphanet 970, MedGen C2752089, MONDO:0024309, OMIM 201300.
Pseudohypoaldosteronism type 2C (PHA2C). Also called: Pseudohypoaldosteronism Type IIC. Identifiers: Orphanet 757, Orphanet 88940, MedGen C1840391, MONDO:0013778, OMIM 614492.

gnomAD v4.1: 1 of 1,612,076 alleles (0.000062%); highest among the groups gnomAD compares: African/African-American, 0.0013%; no homozygotes.

Submission:

Labcorp Genetics (formerly Invitae), Labcorp
Classification: Uncertain significance for Neuropathy, hereditary sensory and autonomic, type 2A; Pseudohypoaldosteronism type 2C. Last evaluated: 2025-06-12. Review status: criteria provided, single submitter. Criteria: Invitae Variant Classification Sherloc (09022015). Collection method: clinical testing. Allele origin: germline.
Comment: This sequence change replaces threonine, which is neutral and polar, with serine, which is neutral and polar, at codon 48 of the WNK1 protein (p.Thr48Ser). This variant is not present in population databases (gnomAD no frequency). This variant has not been reported in the literature in individuals affected with WNK1-related conditions. ClinVar contains an entry for this variant (Variation ID: 3753821). Invitae Evidence Modeling of protein sequence and biophysical properties (such as structural, functional, and spatial information, amino acid conservation, physicochemical variation, residue mobility, and thermodynamic stability) indicates that this missense variant is not expected to disrupt WNK1 protein function with a negative predictive value of 95%. In summary, the available evidence is currently insufficient to determine the role of this variant in disease. Therefore, it has been classified as a Variant of Uncertain Significance.

NM_018979.4(WNK1):c.143C>G (p.Thr48Ser)

Gene: WNK1 (WNK lysine deficient protein kinase 1; plus strand). Cytogenetic location: 12p13.33.
Variant type: single nucleotide variant.
Coding change: c.143C>G on transcript NM_018979.4 (MANE Select); coding-DNA position 143, C replaced by G.
Protein change: p.Thr48Ser; replaces threonine 48 with serine.
Molecular consequence: missense variant.
Genome position (GRCh38, 1-based): chr12:753,708, C>G. VCF-style: chr12-753708-C-G. GRCh37 (hg19) VCF-style: chr12-862874-C-G.
Other names: c.143C>G, p.Thr48Ser (NM_001184985.2, NM_014823.3, NM_213655.5); short protein forms T48S.
Identifiers: ClinVar variation 3753821 (VCV003753821.2).